The following is an entry in ClinVar:

ClinVar aggregate classification (germline): Pathogenic (1 of 4 stars; one submission).

Conditions:
Retinoblastoma (RB1). Also called: RETINOBLASTOMA, SOMATIC. Identifiers: Orphanet 790, MedGen C0035335, MeSH D012175, MONDO:0008380, OMIM 180200, HP:0009919. Disease mechanism: loss of function. Inheritance: Both sporadic and heritable forms are tested..

Submission:

Labcorp Genetics (formerly Invitae), Labcorp
Classification: Pathogenic for Retinoblastoma. Last evaluated: 2018-03-07. Review status: criteria provided, single submitter. Criteria: Invitae Variant Classification Sherloc (09022015). Collection method: clinical testing. Allele origin: germline.
Comment: For these reasons, this variant has been classified as Pathogenic. Loss-of-function variants in RB1 are known to be pathogenic (PMID: 17096365). This variant has not been reported in the literature in individuals with RB1-related disease. This variant is not present in population databases (ExAC no frequency). This sequence change creates a premature translational stop signal (p.Leu189*) in the RB1 gene. It is expected to result in an absent or disrupted protein product.

Literature cited by the submitters: PubMed 17096365.

NM_000321.3(RB1):c.566T>A (p.Leu189Ter)

Gene: RB1 (RB transcriptional corepressor 1; plus strand). Cytogenetic location: 13q14.2.
Variant type: single nucleotide variant.
Coding change: c.566T>A on transcript NM_000321.3 (MANE Select); coding-DNA position 566, T replaced by A.
Protein change: p.Leu189Ter; replaces leucine 189 with a stop codon.
Molecular consequence: nonsense.
Genome position (GRCh38, 1-based): chr13:48,348,982, T>A. VCF-style: chr13-48348982-T-A. GRCh37 (hg19) VCF-style: chr13-48923118-T-A.
Other names: short protein forms L189*.
Identifiers: ClinVar variation 1068629 (VCV001068629.7), dbSNP rs2138093555, ClinGen allele CA388156931.